The following is an entry in ClinVar:

ClinVar aggregate classification (germline): Uncertain significance (1 of 4 stars; one submission).

Allele frequency attached by ClinVar (database versions not stated): ExAC 0.00001; gnomAD 0.00001; gnomAD exomes 0.00002; TOPMed 0.00002.
gnomAD v4.1: 22 of 1,613,938 alleles (0.0014%); highest among the groups gnomAD compares: Admixed American, 0.0033%; no homozygotes.

Submission:

Labcorp Genetics (formerly Invitae), Labcorp
Classification: Uncertain significance. Last evaluated: 2024-10-14. Review status: criteria provided, single submitter. Criteria: Invitae Variant Classification Sherloc (09022015). Collection method: clinical testing. Allele origin: germline.
Comment: This sequence change replaces serine, which is neutral and polar, with cysteine, which is neutral and slightly polar, at codon 30 of the CD46 protein (p.Ser30Cys). This variant is present in population databases (rs780260959, gnomAD 0.006%). This variant has not been reported in the literature in individuals affected with CD46-related conditions. ClinVar contains an entry for this variant (Variation ID: 1434982). Invitae Evidence Modeling of protein sequence and biophysical properties (such as structural, functional, and spatial information, amino acid conservation, physicochemical variation, residue mobility, and thermodynamic stability) indicates that this missense variant is not expected to disrupt CD46 protein function with a negative predictive value of 80%. In summary, the available evidence is currently insufficient to determine the role of this variant in disease. Therefore, it has been classified as a Variant of Uncertain Significance.

NM_172351.3(CD46):c.89C>G (p.Ser30Cys)

Genes: CD46 (CD46 molecule; plus strand), LOC129932405 (ATAC-STARR-seq lymphoblastoid active region 2449; plus strand). Cytogenetic location: 1q32.2.
Variant type: single nucleotide variant.
Coding change: c.89C>G on transcript NM_172351.3 (MANE Select); coding-DNA position 89, C replaced by G.
Protein change: p.Ser30Cys; replaces serine 30 with cysteine.
Molecular consequence: missense variant.
Genome position (GRCh38, 1-based): chr1:207,752,301, C>G. VCF-style: chr1-207752301-C-G. GRCh37 (hg19) VCF-style: chr1-207925646-C-G.
Other names: c.89C>G, p.Ser30Cys (NM_002389.4, NM_153826.4, NM_172350.3 and 8 more transcripts); short protein forms S30C.
Identifiers: ClinVar variation 1434982 (VCV001434982.5), dbSNP rs780260959, ClinGen allele CA1371527.